The following is an entry in ClinVar:

ClinVar aggregate classification (germline): Pathogenic. Review status: criteria provided, multiple submitters, no conflicts (2 of 4 stars). 2 submissions from 2 submitters: Pathogenic (2). Last evaluated 2023-10-23.

Conditions:
Becker muscular dystrophy (BMD). Also called: Becker Muscular Dystrophy (BMD); MUSCULAR DYSTROPHY, PSEUDOHYPERTROPHIC PROGRESSIVE, BECKER TYPE. Identifiers: Orphanet 98895, MedGen C0917713, MONDO:0010311, OMIM 300376.

Submissions (2):

Greenwood Genetic Center Diagnostic Laboratories, Greenwood Genetic Center
Classification: Pathogenic for Becker muscular dystrophy. Last evaluated: 2023-10-23. Review status: criteria provided, single submitter. Criteria: ACMG Guidelines, 2015. Collection method: clinical testing. Allele origin: germline. Affected: yes.
Comment: PVS1, PM2

Eurofins Ntd Llc (ga)
Classification: Pathogenic. Last evaluated: 2015-04-06. Review status: criteria provided, single submitter. Criteria: EGL Classification Definitions 2015. Collection method: clinical testing. Allele origin: germline. Observed: 1 variant allele, 1 hemizygote.

NM_004006.3(DMD):c.14_15delinsT (p.Glu5fs)

Gene: DMD (dystrophin; minus strand). Cytogenetic location: Xp21.1.
Variant type: Indel.
Coding change: c.14_15delinsT on transcript NM_004006.3 (MANE Select); coding-DNA positions 14 to 15, AA replaced by T.
Protein change: p.Glu5fs; shifts the reading frame from glutamic acid 5.
Molecular consequence: frameshift variant. On other transcripts: intron variant (1).
Genome position (GRCh38, 1-based): chrX:33,211,298-33,211,299, TT replaced by A on the plus strand (AA replaced by T on the coding strand, the reverse complement: DMD is on the minus strand). VCF-style: chrX-33211298-TT-A. GRCh37 (hg19) VCF-style: chrX-33229415-TT-A.
Other names: c.7+127960_7+127961delinsT (NM_000109.4); c.14_15delAAinsT (NM_004006.2); short protein forms E5fs.
Identifiers: ClinVar variation 193266 (VCV000193266.6), dbSNP rs796065325, ClinGen allele CA274909.
Genomic context (GRCh38, chrX:33,211,298, plus strand): 5'-CGTTATGCCACAGTAAAATATATTTTTAGTTACTTTGTACTTACAACAGTCCTCTACTTC[TT>A]CCCACCAAAGCATTTTGAAAAGTGTATATCAAGGCAGCGATAAAAAAAACCTGGTAAAAG-3'